The following is an entry in ClinVar:

NM_152743.4(BRAT1):c.955G>A (p.Val319Ile)

Gene: BRAT1 (BRCA1 associated ATM activator 1; minus strand). Cytogenetic location: 7p22.3.
Variant type: single nucleotide variant.
Coding change: c.955G>A on transcript NM_152743.4 (MANE Select); coding-DNA position 955, G replaced by A.
Protein change: p.Val319Ile; replaces valine 319 with isoleucine.
Molecular consequence: missense variant. On other transcripts: non-coding transcript variant (1).
Genome position (GRCh38, 1-based): chr7:2,542,180, C>T on the plus strand (G>A on the coding strand, the complement: BRAT1 is on the minus strand). VCF-style: chr7-2542180-C-T. GRCh37 (hg19) VCF-style: chr7-2581814-C-T.
Other names: c.955G>A, p.Val319Ile (NM_001350626.2); c.430G>A, p.Val144Ile (NM_001350627.2); short protein forms V144I, V319I.
Identifiers: ClinVar variation 707435 (VCV000707435.42), dbSNP rs140903769, ClinGen allele CA4127988.

ClinVar aggregate classification (germline): Conflicting classifications of pathogenicity. Review status: criteria provided, conflicting classifications (1 of 4 stars). 9 submissions from 9 submitters: Uncertain significance (3); Likely benign (5). 1 of the submissions does not count toward it. Last evaluated 2026-05-01.

Conditions:
Intellectual disability. Also called: Intellectual functioning disability; Intellectual developmental disorder; intellectual disabilities. Identifiers: HP:0007044, MedGen C3714756, MeSH D008607, MONDO:0001071.
BRAT1-related disorder. Also called: BRAT1-related disorders; BRAT1-related condition.
Inborn genetic diseases. Identifiers: MedGen C0950123, MeSH D030342.
Neonatal-onset encephalopathy with rigidity and seizures. Also called: Lethal neonatal spasticity-epileptic encephalopathy syndrome. Identifiers: Orphanet 435845, MedGen C3281029, MONDO:0013784, OMIM 614498.

Allele frequency attached by ClinVar (database versions not stated): 1000 Genomes Project 30x 0.00031; ESP Exome Variant Server 0.00031; gnomAD 0.00034 and 0.00039; 1000 Genomes Project 0.00040; TOPMed 0.00045; ExAC 0.00140.
gnomAD v4.1: 733 of 1,567,044 alleles (0.047%); highest among the groups gnomAD compares: Middle Eastern, 0.63%; 3 homozygotes.

Submissions (9):

CeGaT Center for Human Genetics Tuebingen
Classification: Likely benign. Last evaluated: 2026-05-01. Review status: criteria provided, single submitter. Criteria: CeGaT Center For Human Genetics Tuebingen Variant Classification Criteria Version 2. Collection method: clinical testing. Allele origin: germline. Affected: yes. Observed: 4 variant alleles.
Comment: BRAT1: BP4

Labcorp Genetics (formerly Invitae), Labcorp
Classification: Likely benign for Neonatal-onset encephalopathy with rigidity and seizures. Last evaluated: 2026-01-28. Review status: criteria provided, single submitter. Criteria: Invitae Variant Classification Sherloc (09022015). Collection method: clinical testing. Allele origin: germline.

Blueprint Genetics
Classification: Uncertain significance. Last evaluated: 2024-10-07. Review status: criteria provided, single submitter. Criteria: ACMG Guidelines, 2015. Collection method: clinical testing. Allele origin: germline.

Ambry Genetics
Classification: Likely benign for Inborn genetic diseases. Last evaluated: 2021-08-26. Review status: criteria provided, single submitter. Criteria: Ambry Variant Classification Scheme 2023. Collection method: clinical testing. Allele origin: germline.

GeneDx
Classification: Likely benign. Last evaluated: 2021-02-01. Review status: criteria provided, single submitter. Criteria: GeneDx Variant Classification Process June 2021. Collection method: clinical testing. Allele origin: germline. Affected: yes.

Victorian Clinical Genetics Services, Murdoch Childrens Research Institute
Classification: Uncertain significance for Neonatal-onset encephalopathy with rigidity and seizures. Last evaluated: 2020-10-19. Review status: criteria provided, single submitter. Criteria: ACMG Guidelines, 2015. Collection method: clinical testing. Allele origin: germline. Inheritance: Autosomal recessive inheritance.
Comment: Based on the classification scheme VCGS_Germline_v1.1.1, this variant is classified as VUS - 3C. Following criteria are met: 0102 - Loss-of-function is a known mechanism of disease for this gene. (N) 0106 - This gene is known to be associated with autosomal recessive disease. (N) 0200 - Variant is predicted to result in a missense amino acid change from valine to isoleucine (exon 7). (N) 0251 - Variant is heterozygous. (N) 0304 - Variant is present in gnomAD v2 <0.01 for a recessive condition (150 heterozygotes, 0 homozygotes). (P) 0309 - An alternative amino acid change at the same position has been observed in gnomAD v2 (1 heterozygote, 0 homozygotes). (N) 0503 - Missense variant consistently predicted to be tolerated or not conserved in mammals with a minor amino acid change. (B) 0604 - Variant is not located in an established domain, motif, hotspot or informative constraint region. (N) 0705 - No comparable variants have previous evidence for pathogenicity. (N) 0806 - Moderate previous evidence of neutrality in unrelated individual. This variant has been classified once as likely benign (ClinVar). (B) 0905 - No segregation evidence has been identified for this variant. (N) 1007 - No published functional evidence has been identified for this variant. (N) 1208 - Inheritance information for this variant is not currently available. (N) Legend: (P) - Pathogenic, (N) - Neutral, (B) - Benign

Cambridge Genomics Laboratory, East Genomic Laboratory Hub, NHS Genomic Medicine Service
Classification: Uncertain significance for Intellectual disability. Last evaluated: 2019-09-24. Review status: criteria provided, single submitter. Criteria: ACGS Best Practice Guidelines for Variant Classification in Rare Disease 2020. Collection method: clinical testing. Allele origin: germline. Affected: yes. Observed: 1 variant allele.

Breakthrough Genomics
Classification: Likely benign. Review status: criteria provided, single submitter. Criteria: ACMG Guidelines, 2015. Collection method: not provided. Allele origin: germline. Inheritance: Autosomal recessive inheritance. Affected: yes.

PreventionGenetics, part of Exact Sciences
Classification: Likely benign for BRAT1-related condition. Last evaluated: 2021-03-22. Review status: no assertion criteria provided. Collection method: clinical testing. Allele origin: germline. Not counted in ClinVar's aggregate classification.
Comment: This variant is classified as likely benign based on ACMG/AMP sequence variant interpretation guidelines (Richards et al. 2015 PMID: 25741868, with internal and published modifications).